The following is an entry in ClinVar:

ClinVar aggregate classification (germline): Uncertain significance (1 of 4 stars; one submission).

Allele frequency attached by ClinVar (database versions not stated): gnomAD 0.00001; gnomAD exomes below 0.00001.

Submission:

Labcorp Genetics (formerly Invitae), Labcorp
Classification: Uncertain significance. Last evaluated: 2026-01-26. Review status: criteria provided, single submitter. Criteria: Invitae Variant Classification Sherloc (09022015). Collection method: clinical testing. Allele origin: germline.
Comment: This sequence change replaces methionine, which is neutral and non-polar, with isoleucine, which is neutral and non-polar, at codon 1273 of the RAI1 protein (p.Met1273Ile). This variant is not present in population databases (gnomAD no frequency). This variant has not been reported in the literature in individuals affected with RAI1-related conditions. ClinVar contains an entry for this variant (Variation ID: 2790760). Invitae Evidence Modeling of protein sequence and biophysical properties (such as structural, functional, and spatial information, amino acid conservation, physicochemical variation, residue mobility, and thermodynamic stability) indicates that this missense variant is not expected to disrupt RAI1 protein function with a negative predictive value of 80%. In summary, the available evidence is currently insufficient to determine the role of this variant in disease. Therefore, it has been classified as a Variant of Uncertain Significance.

NM_030665.4(RAI1):c.3819G>A (p.Met1273Ile)

Gene: RAI1 (retinoic acid induced 1; plus strand). Cytogenetic location: 17p11.2.
Variant type: single nucleotide variant.
Coding change: c.3819G>A on transcript NM_030665.4 (MANE Select); coding-DNA position 3819, G replaced by A.
Protein change: p.Met1273Ile; replaces methionine 1273 with isoleucine.
Molecular consequence: missense variant.
Genome position (GRCh38, 1-based): chr17:17,796,767, G>A. VCF-style: chr17-17796767-G-A. GRCh37 (hg19) VCF-style: chr17-17700081-G-A.
Other names: short protein forms M1273I.
Identifiers: ClinVar variation 2790760 (VCV002790760.3), dbSNP rs768874413, ClinGen allele CA398555004.